The following is an entry in ClinVar:

NM_182961.4(SYNE1):c.18207+269T>C

Gene: SYNE1 (spectrin repeat containing nuclear envelope protein 1; minus strand). Cytogenetic location: 6q25.2.
Variant type: single nucleotide variant.
Coding change: c.18207+269T>C on transcript NM_182961.4 (MANE Select); 269 bases into the intron after coding-DNA position 18207, T replaced by C.
Molecular consequence: intron variant.
Genome position (GRCh38, 1-based): chr6:152,283,709, A>G on the plus strand (T>C on the coding strand, the complement: SYNE1 is on the minus strand). VCF-style: chr6-152283709-A-G. GRCh37 (hg19) VCF-style: chr6-152604844-A-G.
Other names: c.17994+269T>C (NM_033071.5).
Identifiers: ClinVar variation 683962 (VCV000683962.1), dbSNP rs9397500, ClinGen allele CA15444593.
Genomic context (GRCh38, chr6:152,283,709, plus strand): 5'-GTCTCAGCCTCCCAAGTAGCTGGGACTACAGGCACACACCACCATGTCTGGCTCATTTTT[A>G]TATTTTTAGTAGAGACAGGGTTTCACTATGTTAGCCAGGCTGGTTTCAAACTCCTGACCT-3'

ClinVar aggregate classification (germline): Benign (1 of 4 stars; one submission).

Allele frequency attached by ClinVar (database versions not stated): gnomAD 0.44128 and 0.44386; TOPMed 0.46398; 1000 Genomes Project 0.52656; 1000 Genomes Project 30x 0.52967.
gnomAD v4.1: 66,744 of 151,528 alleles (44%); highest among the groups gnomAD compares: African/African-American, 69%; 16,945 homozygotes.

Submission:

GeneDx
Classification: Benign. Last evaluated: 2018-06-18. Review status: criteria provided, single submitter. Criteria: GeneDx Variant Classification (06012015). Collection method: clinical testing. Allele origin: germline. Affected: yes.
Comment: This variant is considered likely benign or benign based on one or more of the following criteria: it is a conservative change, it occurs at a poorly conserved position in the protein, it is predicted to be benign by multiple in silico algorithms, and/or has population frequency not consistent with disease.